The following is an entry in ClinVar:

NM_006846.4(SPINK5):c.2624G>A (p.Gly875Asp)

Gene: SPINK5 (serine peptidase inhibitor Kazal type 5; plus strand). Cytogenetic location: 5q32.
Variant type: single nucleotide variant.
Coding change: c.2624G>A on transcript NM_006846.4 (MANE Select); coding-DNA position 2624, G replaced by A.
Protein change: p.Gly875Asp; replaces glycine 875 with aspartic acid.
Molecular consequence: missense variant.
Genome position (GRCh38, 1-based): chr5:148,123,918, G>A. VCF-style: chr5-148123918-G-A. GRCh37 (hg19) VCF-style: chr5-147503481-G-A.
Other names: c.2624G>A, p.Gly875Asp (NM_001127698.2, NM_001127699.2); short protein forms G875D.
Identifiers: ClinVar variation 2173216 (VCV002173216.1), dbSNP rs1754360504, ClinGen allele CA361647938.

ClinVar aggregate classification (germline): Uncertain significance (1 of 4 stars; one submission).

Conditions:
Netherton syndrome (NETH). Also called: ERYTHRODERMA, ICHTHYOSIFORM, WITH HYPOTRICHOSIS AND HYPER-IgE; NETHERTON DISEASE; COMEL-NETHERTON SYNDROME. Identifiers: Orphanet 634, MedGen C5574950, MONDO:0009735, OMIM 256500.

Allele frequency attached by ClinVar (database versions not stated): TOPMed below 0.00001.

Submission:

Labcorp Genetics (formerly Invitae), Labcorp
Classification: Uncertain significance for Ichthyosis linearis circumflexa. Last evaluated: 2022-09-13. Review status: criteria provided, single submitter. Criteria: Invitae Variant Classification Sherloc (09022015). Collection method: clinical testing. Allele origin: germline.
Comment: This sequence change replaces glycine, which is neutral and non-polar, with aspartic acid, which is acidic and polar, at codon 875 of the SPINK5 protein (p.Gly875Asp). This variant is not present in population databases (gnomAD no frequency). This variant has not been reported in the literature in individuals affected with SPINK5-related conditions. Advanced modeling of protein sequence and biophysical properties (such as structural, functional, and spatial information, amino acid conservation, physicochemical variation, residue mobility, and thermodynamic stability) performed at Invitae indicates that this missense variant is expected to disrupt SPINK5 protein function. In summary, the available evidence is currently insufficient to determine the role of this variant in disease. Therefore, it has been classified as a Variant of Uncertain Significance.